The following is an entry in ClinVar:

NM_181882.3(PRX):c.1942G>T (p.Ala648Ser)

Gene: PRX (periaxin; minus strand). Cytogenetic location: 19q13.2.
Variant type: single nucleotide variant.
Coding change: c.1942G>T on transcript NM_181882.3 (MANE Select); coding-DNA position 1942, G replaced by T.
Protein change: p.Ala648Ser; replaces alanine 648 with serine.
Molecular consequence: missense variant. On other transcripts: 3 prime UTR variant (1).
Genome position (GRCh38, 1-based): chr19:40,396,410, C>A on the plus strand (G>T on the coding strand, the complement: PRX is on the minus strand). VCF-style: chr19-40396410-C-A. GRCh37 (hg19) VCF-style: chr19-40902317-C-A.
Other names: c.*2147G>T (NM_020956.2); short protein forms A648S.
Identifiers: ClinVar variation 1518413 (VCV001518413.8), dbSNP rs950524654, ClinGen allele CA308419950.

ClinVar aggregate classification (germline): Uncertain significance (1 of 4 stars; one submission).

Conditions:
Charcot-Marie-Tooth disease type 4. Also called: Charcot-Marie-Tooth, Type 4; Charcot-Marie-Tooth disease, type IV. Identifiers: Orphanet 64749, MedGen C4082197, MONDO:0018995.

Allele frequency attached by ClinVar (database versions not stated): gnomAD exomes below 0.00001; TOPMed 0.00001.
gnomAD v4.1: 5 of 1,613,596 alleles (0.00031%); highest among the groups gnomAD compares: African/African-American, 0.0053%; no homozygotes.

Submission:

Labcorp Genetics (formerly Invitae), Labcorp
Classification: Uncertain significance for Charcot-Marie-Tooth disease type 4. Last evaluated: 2021-04-02. Review status: criteria provided, single submitter. Criteria: Invitae Variant Classification Sherloc (09022015). Collection method: clinical testing. Allele origin: germline.
Comment: In summary, the available evidence is currently insufficient to determine the role of this variant in disease. Therefore, it has been classified as a Variant of Uncertain Significance. Algorithms developed to predict the effect of missense changes on protein structure and function output the following: SIFT: "Deleterious"; PolyPhen-2: "Possibly Damaging"; Align-GVGD: "Class C0". The serine amino acid residue is found in multiple mammalian species, suggesting that this missense change does not adversely affect protein function. These predictions have not been confirmed by published functional studies and their clinical significance is uncertain. This variant has not been reported in the literature in individuals with PRX-related conditions. This variant is not present in population databases (ExAC no frequency). This sequence change replaces alanine with serine at codon 648 of the PRX protein (p.Ala648Ser). The alanine residue is weakly conserved and there is a moderate physicochemical difference between alanine and serine.